The following is an entry in ClinVar:

NM_001144967.3(NEDD4L):c.1244G>A (p.Arg415Gln)

Gene: NEDD4L (NEDD4 like E3 ubiquitin protein ligase; plus strand). Cytogenetic location: 18q21.31.
Variant type: single nucleotide variant.
Coding change: c.1244G>A on transcript NM_001144967.3 (MANE Select); coding-DNA position 1244, G replaced by A.
Protein change: p.Arg415Gln; replaces arginine 415 with glutamine.
Molecular consequence: missense variant. On other transcripts: intron variant (1).
Genome position (GRCh38, 1-based): chr18:58,341,156, G>A. VCF-style: chr18-58341156-G-A. GRCh37 (hg19) VCF-style: chr18-56008388-G-A.
Other names: c.881G>A, p.Arg294Gln (NM_001144964.1, NM_001144965.2, NM_001144966.3); c.1220G>A, p.Arg407Gln (NM_001144968.2); c.1160G>A, p.Arg387Gln (NM_001144969.2); c.821G>A, p.Arg274Gln (NM_001144970.3, NM_001144971.2); c.1184G>A, p.Arg395Gln (NM_015277.6); c.1066-522G>A (NM_001243960.2); short protein forms R407Q, R415Q, R294Q, R387Q, R395Q, R274Q.
Identifiers: ClinVar variation 950484 (VCV000950484.7), dbSNP rs1257608713, ClinGen allele CA402561927.

ClinVar aggregate classification (germline): Uncertain significance (1 of 4 stars; one submission).

Allele frequency attached by ClinVar (database versions not stated): gnomAD exomes below 0.00001; TOPMed 0.00001.
gnomAD v4.1: 7 of 1,612,578 alleles (0.00043%); highest among the groups gnomAD compares: South Asian, 0.0011%; no homozygotes.

Submission:

Labcorp Genetics (formerly Invitae), Labcorp
Classification: Uncertain significance. Last evaluated: 2022-07-15. Review status: criteria provided, single submitter. Criteria: Invitae Variant Classification Sherloc (09022015). Collection method: clinical testing. Allele origin: germline.
Comment: Algorithms developed to predict the effect of missense changes on protein structure and function are either unavailable or do not agree on the potential impact of this missense change (SIFT: "Tolerated"; PolyPhen-2: "Possibly Damaging"; Align-GVGD: "Class C0"). In summary, the available evidence is currently insufficient to determine the role of this variant in disease. Therefore, it has been classified as a Variant of Uncertain Significance. ClinVar contains an entry for this variant (Variation ID: 950484). This variant has not been reported in the literature in individuals affected with NEDD4L-related conditions. This variant is present in population databases (no rsID available, gnomAD 0.0009%). This sequence change replaces arginine, which is basic and polar, with glutamine, which is neutral and polar, at codon 395 of the NEDD4L protein (p.Arg395Gln).